The following is an entry in ClinVar:

ClinVar aggregate classification (germline): Pathogenic (1 of 4 stars; one submission).

Conditions:
Peroxisome biogenesis disorder, complementation group K (CGK). Identifiers: MedGen C1866257, MONDO:0800365.

Submission:

Labcorp Genetics (formerly Invitae), Labcorp
Classification: Pathogenic for Peroxisome biogenesis disorder, complementation group K. Last evaluated: 2022-11-29. Review status: criteria provided, single submitter. Criteria: Invitae Variant Classification Sherloc (09022015). Collection method: clinical testing. Allele origin: germline.
Comment: For these reasons, this variant has been classified as Pathogenic. This variant has not been reported in the literature in individuals affected with PEX14-related conditions. This variant is a gross deletion of the genomic region encompassing exon(s) 1 of the PEX14 gene, which includes the initiator codon. This deletion extends beyond the assayed region for this gene and therefore may encompass additional genes. It is expected to result in an absent or disrupted protein product. Loss-of-function variants in PEX14 are known to be pathogenic (PMID: 15146459, 18285423, 26627464).

Literature cited by the submitters: PubMed 15146459; PubMed 18285423; PubMed 26627464.

NC_000001.10:g.(?_10535024)_(10535079_?)del

Gene: PEX14 (peroxisomal biogenesis factor 14; plus strand). Cytogenetic location: 1p36.22.
Variant type: Deletion.
Identifiers: ClinVar variation 2425163 (VCV002425163.4).